The following is an entry in ClinVar:

NM_004629.2(FANCG):c.1543G>C (p.Ala515Pro)

Gene: FANCG (FA complementation group G; minus strand). Cytogenetic location: 9p13.3.
Variant type: single nucleotide variant.
Coding change: c.1543G>C on transcript NM_004629.2 (MANE Select); coding-DNA position 1543, G replaced by C.
Protein change: p.Ala515Pro; replaces alanine 515 with proline.
Molecular consequence: missense variant.
Genome position (GRCh38, 1-based): chr9:35,075,020, C>G on the plus strand (G>C on the coding strand, the complement: FANCG is on the minus strand). VCF-style: chr9-35075020-C-G. GRCh37 (hg19) VCF-style: chr9-35075017-C-G.
Other names: short protein forms A515P.
Identifiers: ClinVar variation 4022553 (VCV004022553.1).

ClinVar aggregate classification (germline): Uncertain significance (1 of 4 stars; one submission).

Conditions:
Inborn genetic diseases. Identifiers: MedGen C0950123, MeSH D030342.

Submission:

Ambry Genetics
Classification: Uncertain significance for Inborn genetic diseases. Last evaluated: 2025-06-07. Review status: criteria provided, single submitter. Criteria: Ambry Variant Classification Scheme 2023. Collection method: clinical testing. Allele origin: germline.
Comment: The p.A515P variant (also known as c.1543G>C), located in coding exon 12 of the FANCG gene, results from a G to C substitution at nucleotide position 1543. The alanine at codon 515 is replaced by proline, an amino acid with highly similar properties. This amino acid position is conserved. In addition, the in silico prediction for this alteration is inconclusive. Based on the available evidence, the clinical significance of this variant remains unclear.